The following is an entry in ClinVar:

NM_001199138.2(NLRC4):c.561C>A (p.Gly187=)

Gene: NLRC4 (NLR family CARD domain containing 4; minus strand). Cytogenetic location: 2p22.3.
Variant type: single nucleotide variant.
Coding change: c.561C>A on transcript NM_001199138.2 (MANE Select); coding-DNA position 561, C replaced by A.
Protein change: p.Gly187=; no amino-acid change (glycine 187 retained).
Molecular consequence: synonymous variant. On other transcripts: intron variant (1).
Genome position (GRCh38, 1-based): chr2:32,251,303, G>T on the plus strand (C>A on the coding strand, the complement: NLRC4 is on the minus strand). VCF-style: chr2-32251303-G-T. GRCh37 (hg19) VCF-style: chr2-32476372-G-T.
Other names: c.561C>A, p.Gly187= (NM_001199139.2, NM_021209.5); c.262+1116C>A (NM_001302504.1).
Identifiers: ClinVar variation 2650808 (VCV002650808.27), dbSNP rs770318308, ClinGen allele CA1602121.

ClinVar aggregate classification (germline): Likely benign. Review status: criteria provided, multiple submitters, no conflicts (2 of 4 stars). 2 submissions from 2 submitters: Likely benign (2). Last evaluated 2024-06-09.

Conditions:
Periodic fever-infantile enterocolitis-autoinflammatory syndrome. Also called: Autoinflammation with infantile enterocolitis. Identifiers: Orphanet 436166, MedGen C4015067, MONDO:0014472, OMIM 616050.
Familial cold autoinflammatory syndrome 4 (FCAS4). Identifiers: Orphanet 47045, Orphanet 576349, MedGen C4015276, MONDO:0014498, OMIM 616115.

Allele frequency attached by ClinVar (database versions not stated): gnomAD exomes below 0.00001; ExAC 0.00001.

Submissions (2):

Labcorp Genetics (formerly Invitae), Labcorp
Classification: Likely benign for Periodic fever-infantile enterocolitis-autoinflammatory syndrome; Familial cold autoinflammatory syndrome 4. Last evaluated: 2024-06-09. Review status: criteria provided, single submitter. Criteria: Invitae Variant Classification Sherloc (09022015). Collection method: clinical testing. Allele origin: germline.

CeGaT Center for Human Genetics Tuebingen
Classification: Likely benign. Last evaluated: 2023-01-01. Review status: criteria provided, single submitter. Criteria: CeGaT Center For Human Genetics Tuebingen Variant Classification Criteria Version 2. Collection method: clinical testing. Allele origin: germline. Affected: yes. Observed: 1 variant allele.
Comment: NLRC4: BP4, BP7